The following is an entry in ClinVar:

NM_001197104.2(KMT2A):c.4576-1G>C

Gene: KMT2A (lysine methyltransferase 2A; plus strand). Cytogenetic location: 11q23.3.
Variant type: single nucleotide variant.
Coding change: c.4576-1G>C on transcript NM_001197104.2 (MANE Select); the canonical splice acceptor site of the intron before coding-DNA position 4576, G replaced by C.
Molecular consequence: splice acceptor variant.
Genome position (GRCh38, 1-based): chr11:118,490,128, G>C. VCF-style: chr11-118490128-G-C. GRCh37 (hg19) VCF-style: chr11-118360843-G-C.
Other names: c.4675-1G>C (NM_001412597.1); c.4576-1G>C (NM_005933.4).
Identifiers: ClinVar variation 504298 (VCV000504298.2), dbSNP rs563239, ClinGen allele CA382833791.

ClinVar aggregate classification (germline): Pathogenic (1 of 4 stars; one submission).

Submission:

GeneDx
Classification: Pathogenic. Last evaluated: 2018-02-16. Review status: criteria provided, single submitter. Criteria: GeneDx Variant Classification (06012015). Collection method: clinical testing. Allele origin: germline. Affected: yes.
Comment: The c.4576-1G>C variant in the KMT2A gene has not been reported previously as a pathogenic variant nor as a benign variant, to our knowledge. This splice site variant destroys the canonical splice acceptor site in intron 12. It is predicted to cause abnormal gene splicing, either leading to an abnormal message that is subject to nonsense-mediated mRNA decay, or to an abnormal protein product if the message is used for protein translation. The c.4576-1G>C variant is not observed in large population cohorts (Lek et al., 2016). We interpret c.4576-1G>C as a pathogenic variant.